The following is an entry in ClinVar:

NM_004423.4(DVL3):c.763+9G>A

Gene: DVL3 (dishevelled segment polarity protein 3; plus strand). Cytogenetic location: 3q27.1.
Variant type: single nucleotide variant.
Coding change: c.763+9G>A on transcript NM_004423.4 (MANE Select); 9 bases into the intron after coding-DNA position 763, G replaced by A.
Molecular consequence: intron variant.
Genome position (GRCh38, 1-based): chr3:184,165,500, G>A. VCF-style: chr3-184165500-G-A. GRCh37 (hg19) VCF-style: chr3-183883288-G-A.
Identifiers: ClinVar variation 3030578 (VCV003030578.2), dbSNP rs1255877474, ClinGen allele CA548400703.

ClinVar aggregate classification (germline): Likely benign (0 of 4 stars; one submission).

Conditions:
DVL3-related disorder. Also called: DVL3-related condition.

Allele frequency attached by ClinVar (database versions not stated): gnomAD exomes below 0.00001; TOPMed 0.00001.
gnomAD v4.1: 2 of 1,613,316 alleles (0.00012%); highest among the groups gnomAD compares: East Asian, 0.0045%; no homozygotes.

Submission:

PreventionGenetics, part of Exact Sciences
Classification: Likely benign for DVL3-related condition. Last evaluated: 2021-02-22. Review status: no assertion criteria provided. Collection method: clinical testing. Allele origin: germline.
Comment: This variant is classified as likely benign based on ACMG/AMP sequence variant interpretation guidelines (Richards et al. 2015 PMID: 25741868, with internal and published modifications).